The following is an entry in ClinVar:

ClinVar aggregate classification (germline): Benign/Likely benign. Review status: criteria provided, multiple submitters, no conflicts (2 of 4 stars). 3 submissions from 3 submitters: Benign (1); Likely benign (2). Last evaluated 2026-01-30.

Conditions:
Isolated thyroid-stimulating hormone deficiency. Also called: Hypothryoidism, congenital, nongoitrous 4; Thyroid-stimulating hormone, deficiency of; PITUITARY CRETINISM; THYROID-STIMULATING HORMONE DEFICIENCY; THYROTROPIN DEFICIENCY, ISOLATED; TSH DEFICIENCY. Identifiers: Orphanet 90674, MedGen C0271789, MONDO:0010139, OMIM 275100.

Allele frequency attached by ClinVar (database versions not stated): gnomAD 0.00003 and 0.00042; TOPMed 0.00007; gnomAD exomes 0.00074 and 0.00141; ExAC 0.00170; 1000 Genomes Project 30x 0.00219; 1000 Genomes Project 0.00240.
gnomAD v4.1: 1,160 of 1,613,860 alleles (0.072%); highest among the groups gnomAD compares: South Asian, 1.1%; 21 homozygotes.

Submissions (3):

Labcorp Genetics (formerly Invitae), Labcorp
Classification: Benign. Last evaluated: 2026-01-30. Review status: criteria provided, single submitter. Criteria: Invitae Variant Classification Sherloc (09022015). Collection method: clinical testing. Allele origin: germline.

CeGaT Center for Human Genetics Tuebingen
Classification: Likely benign. Last evaluated: 2026-01-01. Review status: criteria provided, single submitter. Criteria: CeGaT Center For Human Genetics Tuebingen Variant Classification Criteria Version 2. Collection method: clinical testing. Allele origin: germline. Affected: yes. Observed: 2 variant alleles.
Comment: TSHB: BP4

Illumina Laboratory Services, Illumina
Classification: Likely benign for Isolated thyroid-stimulating hormone deficiency. Last evaluated: 2017-10-05. Review status: criteria provided, single submitter. Criteria: ICSL Variant Classification Criteria 13 December 2019. Collection method: clinical testing. Allele origin: germline.
Comment: This variant was observed as part of a predisposition screen in an ostensibly healthy population. A literature search was performed for the gene, cDNA change, and amino acid change (where applicable). Publications were found based on this search. The evidence from the literature, in combination with allele frequency data from public databases where available, was sufficient to determine this variant is unlikely to cause disease. Therefore, this variant is classified as likely benign.

Literature cited by the submitters: PubMed 25950606 (cited by Illumina Laboratory Services, Illumina); PubMed 26416826 (cited by Illumina Laboratory Services, Illumina); PubMed 27387040 (cited by Illumina Laboratory Services, Illumina); PubMed 24423284 (cited by Illumina Laboratory Services, Illumina).

NM_000549.5(TSHB):c.223A>G (p.Arg75Gly)

Gene: TSHB (thyroid stimulating hormone subunit beta; plus strand). Cytogenetic location: 1p13.2.
Variant type: single nucleotide variant.
Coding change: c.223A>G on transcript NM_000549.5 (MANE Select); coding-DNA position 223, A replaced by G.
Protein change: p.Arg75Gly; replaces arginine 75 with glycine.
Molecular consequence: missense variant.
Genome position (GRCh38, 1-based): chr1:115,034,033, A>G. VCF-style: chr1-115034033-A-G. GRCh37 (hg19) VCF-style: chr1-115576654-A-G.
Other names: c.88A>G, p.Arg30Gly (NM_001277991.1); short protein forms R75G, R30G.
Identifiers: ClinVar variation 764732 (VCV000764732.35), dbSNP rs201857310, ClinGen allele CA1022562.